The following is an entry in ClinVar:

ClinVar aggregate classification (germline): Uncertain significance. Review status: criteria provided, multiple submitters, no conflicts (2 of 4 stars). 2 submissions from 2 submitters: Uncertain significance (2). Last evaluated 2022-05-16.

Conditions:
Hereditary cancer-predisposing syndrome. Also called: Neoplastic Syndromes, Hereditary; Tumor predisposition; Hereditary Cancer Syndrome; Hereditary neoplastic syndrome. Identifiers: Orphanet 140162, MedGen C0027672, MeSH D009386, MONDO:0015356.
Familial adenomatous polyposis 1 (FAP1). Also called: FAMILIAL ADENOMATOUS POLYPOSIS 1, ATTENUATED; POLYPOSIS, ADENOMATOUS INTESTINAL. Identifiers: MedGen C2713442, MONDO:0021056, OMIM 175100. Disease mechanism: loss of function.

Submissions (2):

Labcorp Genetics (formerly Invitae), Labcorp
Classification: Uncertain significance for Familial adenomatous polyposis 1. Last evaluated: 2022-05-16. Review status: criteria provided, single submitter. Criteria: Invitae Variant Classification Sherloc (09022015). Collection method: clinical testing. Allele origin: germline.
Comment: In summary, the available evidence is currently insufficient to determine the role of this variant in disease. Therefore, it has been classified as a Variant of Uncertain Significance. Algorithms developed to predict the effect of missense changes on protein structure and function are either unavailable or do not agree on the potential impact of this missense change (SIFT: "Deleterious"; PolyPhen-2: "Benign"; Align-GVGD: "Class C0"). This variant has not been reported in the literature in individuals affected with APC-related conditions. This variant is not present in population databases (gnomAD no frequency). This sequence change replaces proline, which is neutral and non-polar, with glutamine, which is neutral and polar, at codon 2740 of the APC protein (p.Pro2740Gln).

Ambry Genetics
Classification: Uncertain significance for Hereditary cancer-predisposing syndrome. Last evaluated: 2021-03-05. Review status: criteria provided, single submitter. Criteria: Ambry Variant Classification Scheme 2023. Collection method: clinical testing. Allele origin: germline.
Comment: The p.P2740Q variant (also known as c.8219C>A), located in coding exon 15 of the APC gene, results from a C to A substitution at nucleotide position 8219. The proline at codon 2740 is replaced by glutamine, an amino acid with similar properties. This amino acid position is not well conserved in available vertebrate species. In addition, in silico predictors for this gene do not accurately predict pathogenicity. Since supporting evidence is limited at this time, the clinical significance of this alteration remains unclear.

NM_000038.6(APC):c.8219C>A (p.Pro2740Gln)

Gene: APC (APC regulator of Wnt signaling pathway; plus strand). Cytogenetic location: 5q22.2.
Variant type: single nucleotide variant.
Coding change: c.8219C>A on transcript NM_000038.6 (MANE Select); coding-DNA position 8219, C replaced by A.
Protein change: p.Pro2740Gln; replaces proline 2740 with glutamine.
Molecular consequence: missense variant.
Genome position (GRCh38, 1-based): chr5:112,843,813, C>A. VCF-style: chr5-112843813-C-A. GRCh37 (hg19) VCF-style: chr5-112179510-C-A.
Other names: c.8219C>A, p.Pro2740Gln (NM_001127510.3, NM_001354895.2, NM_001407450.1); c.8165C>A, p.Pro2722Gln (NM_001127511.3); c.8273C>A, p.Pro2758Gln (NM_001354896.2, NM_001407447.1, NM_001407448.1 and 1 more transcripts); c.8249C>A, p.Pro2750Gln (NM_001354897.2); c.8144C>A, p.Pro2715Gln (NM_001354898.2); c.8135C>A, p.Pro2712Gln (NM_001354899.2); c.8096C>A, p.Pro2699Gln (NM_001354900.2); c.8042C>A, p.Pro2681Gln (NM_001354901.2, NM_001407453.1); and 11 more; short protein forms P2580Q, P2611Q, P2639Q, P2681Q, P2699Q, P2740Q, P2768Q, P2356Q.
Identifiers: ClinVar variation 1762492 (VCV001762492.7), dbSNP rs1580691275, ClinGen allele CA16039173.